The following is an entry in ClinVar:

ClinVar aggregate classification (germline): Uncertain significance (1 of 4 stars; one submission).

Submission:

GeneDx
Classification: Uncertain significance. Last evaluated: 2023-07-11. Review status: criteria provided, single submitter. Criteria: GeneDx Variant Classification Process June 2021. Collection method: clinical testing. Allele origin: germline. Affected: yes.
Comment: Not observed at significant frequency in large population cohorts (gnomAD); In silico analysis supports that this missense variant does not alter protein structure/function; Has not been previously published as pathogenic or benign to our knowledge

NM_020778.5(ALPK3):c.4702T>C (p.Phe1568Leu)

Gene: ALPK3 (alpha kinase 3; plus strand). Cytogenetic location: 15q25.3.
Variant type: single nucleotide variant.
Coding change: c.4702T>C on transcript NM_020778.5 (MANE Select); coding-DNA position 4702, T replaced by C.
Protein change: p.Phe1568Leu; replaces phenylalanine 1568 with leucine.
Molecular consequence: missense variant.
Genome position (GRCh38, 1-based): chr15:84,864,644, T>C. VCF-style: chr15-84864644-T-C. GRCh37 (hg19) VCF-style: chr15-85407875-T-C.
Other names: short protein forms F1568L.
Identifiers: ClinVar variation 3361003 (VCV003361003.1).